The following is an entry in ClinVar:

NM_006005.3(WFS1):c.2660T>G (p.Leu887Arg)

Gene: WFS1 (wolframin ER transmembrane glycoprotein; plus strand). Cytogenetic location: 4p16.1.
Variant type: single nucleotide variant.
Coding change: c.2660T>G on transcript NM_006005.3 (MANE Select); coding-DNA position 2660, T replaced by G.
Protein change: p.Leu887Arg; replaces leucine 887 with arginine.
Molecular consequence: missense variant.
Genome position (GRCh38, 1-based): chr4:6,302,455, T>G. VCF-style: chr4-6302455-T-G. GRCh37 (hg19) VCF-style: chr4-6304182-T-G.
Other names: c.2660T>G, p.Leu887Arg (NM_001145853.1); short protein forms L887R.
Identifiers: ClinVar variation 4802693 (VCV004802693.1).

ClinVar aggregate classification (germline): Uncertain significance (1 of 4 stars; one submission).

Submission:

Labcorp Genetics (formerly Invitae), Labcorp
Classification: Uncertain significance. Last evaluated: 2025-03-19. Review status: criteria provided, single submitter. Criteria: Invitae Variant Classification Sherloc (09022015). Collection method: clinical testing. Allele origin: germline.
Comment: This sequence change replaces leucine, which is neutral and non-polar, with arginine, which is basic and polar, at codon 887 of the WFS1 protein (p.Leu887Arg). This variant is not present in population databases (gnomAD no frequency). This variant has not been reported in the literature in individuals affected with WFS1-related conditions. Invitae Evidence Modeling of protein sequence and biophysical properties (such as structural, functional, and spatial information, amino acid conservation, physicochemical variation, residue mobility, and thermodynamic stability) indicates that this missense variant is expected to disrupt WFS1 protein function with a positive predictive value of 95%. In summary, the available evidence is currently insufficient to determine the role of this variant in disease. Therefore, it has been classified as a Variant of Uncertain Significance.